The following is an entry in ClinVar:

ClinVar aggregate classification (germline): Uncertain significance. Review status: criteria provided, multiple submitters, no conflicts (2 of 4 stars). 2 submissions from 2 submitters: Uncertain significance (2). Last evaluated 2023-11-27.

Conditions:
Epilepsy, familial adult myoclonic, 5 (EPEO5). Also called: CORTICAL MYOCLONIC TREMOR WITH EPILEPSY, FAMILIAL, 5. Identifiers: Orphanet 86814, MedGen C3809374, MONDO:0014167, OMIM 615400.

Allele frequency attached by ClinVar (database versions not stated): gnomAD exomes below 0.00001; gnomAD 0.00002; TOPMed 0.00002.

Submissions (2):

Labcorp Genetics (formerly Invitae), Labcorp
Classification: Uncertain significance for Epilepsy, familial adult myoclonic, 5. Last evaluated: 2023-11-27. Review status: criteria provided, single submitter. Criteria: Invitae Variant Classification Sherloc (09022015). Collection method: clinical testing. Allele origin: germline.
Comment: This sequence change replaces methionine, which is neutral and non-polar, with threonine, which is neutral and polar, at codon 1013 of the CNTN2 protein (p.Met1013Thr). This variant is not present in population databases (gnomAD no frequency). This variant has not been reported in the literature in individuals affected with CNTN2-related conditions. ClinVar contains an entry for this variant (Variation ID: 565414). Advanced modeling of protein sequence and biophysical properties (such as structural, functional, and spatial information, amino acid conservation, physicochemical variation, residue mobility, and thermodynamic stability) performed at Invitae indicates that this missense variant is not expected to disrupt CNTN2 protein function with a negative predictive value of 95%. In summary, the available evidence is currently insufficient to determine the role of this variant in disease. Therefore, it has been classified as a Variant of Uncertain Significance.

Ambry Genetics
Classification: Uncertain significance. Last evaluated: 2022-01-04. Review status: criteria provided, single submitter. Criteria: Ambry Variant Classification Scheme 2023. Collection method: clinical testing. Allele origin: germline.

NM_005076.5(CNTN2):c.3038T>C (p.Met1013Thr)

Gene: CNTN2 (contactin 2; plus strand). Cytogenetic location: 1q32.1.
Variant type: single nucleotide variant.
Coding change: c.3038T>C on transcript NM_005076.5 (MANE Select); coding-DNA position 3038, T replaced by C.
Protein change: p.Met1013Thr; replaces methionine 1013 with threonine.
Molecular consequence: missense variant. On other transcripts: non-coding transcript variant (1).
Genome position (GRCh38, 1-based): chr1:205,073,680, T>C. VCF-style: chr1-205073680-T-C. GRCh37 (hg19) VCF-style: chr1-205042808-T-C.
Other names: c.3038T>C, p.Met1013Thr (NM_001346083.2); short protein forms M1013T.
Identifiers: ClinVar variation 565414 (VCV000565414.7), dbSNP rs909612337, ClinGen allele CA36377173.
Genomic context (GRCh38, chr1:205,073,680, plus strand): 5'-CCCAGGCCCAGCTGACTCAGCTTGTGCTGGTTTCAGGCACAAGCATGATGGTGGAGAACA[T>C]GGCAGTCCGCCCAGCACCACACCCTGGCACCGTCATTTCCCACTCCGTGGCGATGCTGAT-3'
Protein context (NP_005067.1, residues 1003-1023): NGGTSMMVEN[Met1013Thr]AVRPAPHPGT